The following is an entry in ClinVar:

ClinVar aggregate classification (germline): Uncertain significance. Review status: criteria provided, multiple submitters, no conflicts (2 of 4 stars). 2 submissions from 2 submitters: Uncertain significance (2). Last evaluated 2025-12-10.

Conditions:
Hereditary cancer-predisposing syndrome. Also called: Tumor predisposition; Hereditary neoplastic syndrome; Neoplastic Syndromes, Hereditary; Hereditary Cancer Syndrome. Identifiers: Orphanet 140162, MedGen C0027672, MeSH D009386, MONDO:0015356.
Familial adenomatous polyposis 1 (FAP1). Also called: POLYPOSIS, ADENOMATOUS INTESTINAL; FAMILIAL ADENOMATOUS POLYPOSIS 1, ATTENUATED. Identifiers: MedGen C2713442, MONDO:0021056, OMIM 175100. Disease mechanism: loss of function.

Submissions (2):

Labcorp Genetics (formerly Invitae), Labcorp
Classification: Uncertain significance for Familial adenomatous polyposis 1. Last evaluated: 2025-12-10. Review status: criteria provided, single submitter. Criteria: Invitae Variant Classification Sherloc (09022015). Collection method: clinical testing. Allele origin: germline.
Comment: This sequence change replaces phenylalanine, which is neutral and non-polar, with leucine, which is neutral and non-polar, at codon 1867 of the APC protein (p.Phe1867Leu). This variant is not present in population databases (gnomAD no frequency). This missense change has been observed in individual(s) with breast cancer (PMID: 35980532). ClinVar contains an entry for this variant (Variation ID: 1424329). Invitae Evidence Modeling of protein sequence and biophysical properties (such as structural, functional, and spatial information, amino acid conservation, physicochemical variation, residue mobility, and thermodynamic stability) indicates that this missense variant is not expected to disrupt APC protein function with a negative predictive value of 95%. In summary, the available evidence is currently insufficient to determine the role of this variant in disease. Therefore, it has been classified as a Variant of Uncertain Significance.

Color Diagnostics, LLC DBA Color Health
Classification: Uncertain significance for Hereditary cancer-predisposing syndrome. Last evaluated: 2024-01-04. Review status: criteria provided, single submitter. Criteria: ACMG Guidelines, 2015. Collection method: clinical testing. Allele origin: germline.
Comment: This missense variant replaces phenylalanine with leucine at codon 1867 of the APC protein. Computational prediction is inconclusive regarding the impact of this variant on protein structure and function (internally defined REVEL score threshold 0.5 < inconclusive < 0.7, PMID: 27666373). To our knowledge, functional studies have not been reported for this variant. This variant has not been reported in individuals affected with APC-related disorders in the literature. This variant has not been identified in the general population by the Genome Aggregation Database (gnomAD). The available evidence is insufficient to determine the role of this variant in disease conclusively. Therefore, this variant is classified as a Variant of Uncertain Significance.

Literature cited by the submitters: PubMed 35980532 (cited by Labcorp Genetics (formerly Invitae), Labcorp).

NM_000038.6(APC):c.5601T>G (p.Phe1867Leu)

Gene: APC (APC regulator of Wnt signaling pathway; plus strand). Cytogenetic location: 5q22.2.
Variant type: single nucleotide variant.
Coding change: c.5601T>G on transcript NM_000038.6 (MANE Select); coding-DNA position 5601, T replaced by G.
Protein change: p.Phe1867Leu; replaces phenylalanine 1867 with leucine.
Molecular consequence: missense variant.
Genome position (GRCh38, 1-based): chr5:112,841,195, T>G. VCF-style: chr5-112841195-T-G. GRCh37 (hg19) VCF-style: chr5-112176892-T-G.
Other names: c.5601T>G, p.Phe1867Leu (NM_001127510.3, NM_001354895.2); c.5547T>G, p.Phe1849Leu (NM_001127511.3); c.5655T>G, p.Phe1885Leu (NM_001354896.2); c.5631T>G, p.Phe1877Leu (NM_001354897.2); c.5526T>G, p.Phe1842Leu (NM_001354898.2); c.5517T>G, p.Phe1839Leu (NM_001354899.2); c.5478T>G, p.Phe1826Leu (NM_001354900.2); c.5424T>G, p.Phe1808Leu (NM_001354901.2); and 5 more; short protein forms F1776L, F1808L, F1885L, F1707L, F1741L, F1877L, F1766L, F1826L.
Identifiers: ClinVar variation 1424329 (VCV001424329.10), dbSNP rs2149944270, ClinGen allele CA16033590.